The following is an entry in ClinVar:

NM_194436.3(LDHD):c.474A>G (p.Pro158=)

Gene: LDHD (lactate dehydrogenase D; minus strand). Cytogenetic location: 16q23.1.
Variant type: single nucleotide variant.
Coding change: c.474A>G on transcript NM_194436.3 (MANE Select); coding-DNA position 474, A replaced by G.
Protein change: p.Pro158=; no amino-acid change (proline 158 retained).
Molecular consequence: synonymous variant.
Genome position (GRCh38, 1-based): chr16:75,114,681, T>C on the plus strand (A>G on the coding strand, the complement: LDHD is on the minus strand). VCF-style: chr16-75114681-T-C. GRCh37 (hg19) VCF-style: chr16-75148579-T-C.
Other names: c.474A>G, p.Pro158= (NM_153486.4).
Identifiers: ClinVar variation 720511 (VCV000720511.6), dbSNP rs35697608, ClinGen allele CA8172529.

ClinVar aggregate classification (germline): Benign/Likely benign. Review status: criteria provided, multiple submitters, no conflicts (2 of 4 stars). 3 submissions from 3 submitters: Benign (1); Likely benign (1). 1 of the submissions does not count toward it. Last evaluated 2024-11-14.

Conditions:
LDHD-related disorder. Also called: LDHD-related condition.

Allele frequency attached by ClinVar (database versions not stated): ESP Exome Variant Server 0.00521; gnomAD 0.00770 and 0.00827; TOPMed 0.00887; 1000 Genomes Project 30x 0.00937; 1000 Genomes Project 0.00938; gnomAD exomes 0.00068 and 0.00159; ExAC 0.00457.
gnomAD v4.1: 2,149 of 1,536,190 alleles (0.14%); highest among the groups gnomAD compares: African/African-American, 2.6%; 27 homozygotes.

Submissions (3):

Blueprint Genetics
Classification: Likely benign. Last evaluated: 2024-11-14. Review status: criteria provided, single submitter. Criteria: ACMG Guidelines, 2015. Collection method: clinical testing. Allele origin: germline.

Labcorp Genetics (formerly Invitae), Labcorp
Classification: Benign. Last evaluated: 2018-05-21. Review status: criteria provided, single submitter. Criteria: Invitae Variant Classification Sherloc (09022015). Collection method: clinical testing. Allele origin: germline.

PreventionGenetics, part of Exact Sciences
Classification: Benign for LDHD-related condition. Last evaluated: 2019-11-20. Review status: no assertion criteria provided. Collection method: clinical testing. Allele origin: germline. Not counted in ClinVar's aggregate classification.
Comment: This variant is classified as benign based on ACMG/AMP sequence variant interpretation guidelines (Richards et al. 2015 PMID: 25741868, with internal and published modifications).